The following is an entry in ClinVar:

ClinVar aggregate classification (germline): Conflicting classifications of pathogenicity. Review status: criteria provided, conflicting classifications (1 of 4 stars). 3 submissions from 3 submitters: Uncertain significance (2); Likely benign (1). Last evaluated 2025-10-01.

Conditions:
Inborn genetic diseases. Identifiers: MedGen C0950123, MeSH D030342.

Allele frequency attached by ClinVar (database versions not stated): gnomAD 0.00001; gnomAD exomes 0.00001; ExAC 0.00003.
gnomAD v4.1: 12 of 1,613,810 alleles (0.00074%); highest among the groups gnomAD compares: Admixed American, 0.0083%; no homozygotes.

Submissions (3):

Labcorp Genetics (formerly Invitae), Labcorp
Classification: Likely benign. Last evaluated: 2025-10-01. Review status: criteria provided, single submitter. Criteria: Invitae Variant Classification Sherloc (09022015). Collection method: clinical testing. Allele origin: germline.

Ambry Genetics
Classification: Uncertain significance for Inborn genetic diseases. Last evaluated: 2025-08-14. Review status: criteria provided, single submitter. Criteria: Ambry Variant Classification Scheme 2023. Collection method: clinical testing. Allele origin: germline.

GeneDx
Classification: Uncertain significance. Last evaluated: 2024-06-24. Review status: criteria provided, single submitter. Criteria: GeneDx Variant Classification Process June 2021. Collection method: clinical testing. Allele origin: germline. Affected: yes.
Comment: Not observed at significant frequency in large population cohorts (gnomAD); In silico analysis indicates that this missense variant does not alter protein structure/function; Has not been previously published as pathogenic or benign to our knowledge

NM_173630.4(RTTN):c.3793C>T (p.Arg1265Trp)

Gene: RTTN (rotatin; minus strand). Cytogenetic location: 18q22.2.
Variant type: single nucleotide variant.
Coding change: c.3793C>T on transcript NM_173630.4 (MANE Select); coding-DNA position 3793, C replaced by T.
Protein change: p.Arg1265Trp; replaces arginine 1265 with tryptophan.
Molecular consequence: missense variant.
Genome position (GRCh38, 1-based): chr18:70,109,608, G>A on the plus strand (C>T on the coding strand, the complement: RTTN is on the minus strand). VCF-style: chr18-70109608-G-A. GRCh37 (hg19) VCF-style: chr18-67776844-G-A.
Other names: c.3793C>T (NM_173630.3); c.1057C>T, p.Arg353Trp (NM_001318520.2); short protein forms R1265W, R353W.
Identifiers: ClinVar variation 2085943 (VCV002085943.6), dbSNP rs142016609, ClinGen allele CA8995492.